The following is an entry in ClinVar:

NM_176787.5(PIGN):c.1060C>T (p.Leu354Phe)

Gene: PIGN (phosphatidylinositol glycan anchor biosynthesis class N; minus strand). Cytogenetic location: 18q21.33.
Variant type: single nucleotide variant.
Coding change: c.1060C>T on transcript NM_176787.5 (MANE Select); coding-DNA position 1060, C replaced by T.
Protein change: p.Leu354Phe; replaces leucine 354 with phenylalanine.
Molecular consequence: missense variant.
Genome position (GRCh38, 1-based): chr18:62,139,039, G>A on the plus strand (C>T on the coding strand, the complement: PIGN is on the minus strand). VCF-style: chr18-62139039-G-A. GRCh37 (hg19) VCF-style: chr18-59806272-G-A.
Other names: c.1060C>T, p.Leu354Phe (NM_012327.6); short protein forms L354F.
Identifiers: ClinVar variation 1714267 (VCV001714267.5), dbSNP rs2513728911, ClinGen allele CA402607818.

ClinVar aggregate classification (germline): Uncertain significance (1 of 4 stars; one submission).

Conditions:
Multiple congenital anomalies-hypotonia-seizures syndrome 1 (MCAHS1). Also called: PIGN-CDG; Congenital disorder of glycosylation due to PIGN deficiency; GLYCOSYLPHOSPHATIDYLINOSITOL BIOSYNTHESIS DEFECT 3. Identifiers: Orphanet 280633, MedGen C3279775, MONDO:0013563, OMIM 614080.

Submission:

Labcorp Genetics (formerly Invitae), Labcorp
Classification: Uncertain significance for Multiple congenital anomalies-hypotonia-seizures syndrome 1. Last evaluated: 2022-07-29. Review status: criteria provided, single submitter. Criteria: Invitae Variant Classification Sherloc (09022015). Collection method: clinical testing. Allele origin: germline.
Comment: This sequence change replaces leucine, which is neutral and non-polar, with phenylalanine, which is neutral and non-polar, at codon 354 of the PIGN protein (p.Leu354Phe). This variant is not present in population databases (gnomAD no frequency). This variant has not been reported in the literature in individuals affected with PIGN-related conditions. Algorithms developed to predict the effect of missense changes on protein structure and function are either unavailable or do not agree on the potential impact of this missense change (SIFT: "Not Available"; PolyPhen-2: "Benign"; Align-GVGD: "Not Available"). In summary, the available evidence is currently insufficient to determine the role of this variant in disease. Therefore, it has been classified as a Variant of Uncertain Significance.